The following is an entry in ClinVar:

ClinVar aggregate classification (germline): Uncertain significance (1 of 4 stars; one submission).

Allele frequency attached by ClinVar (database versions not stated): gnomAD 0.00009; TOPMed 0.00009; ExAC 0.00018; gnomAD exomes 0.00021; ESP Exome Variant Server 0.00023.
gnomAD v4.1: 312 of 1,613,734 alleles (0.019%); highest among the groups gnomAD compares: South Asian, 0.061%; no homozygotes.

Submission:

Ambry Genetics
Classification: Uncertain significance. Last evaluated: 2025-12-19. Review status: criteria provided, single submitter. Criteria: Ambry Variant Classification Scheme 2023. Collection method: clinical testing. Allele origin: germline.
Comment: The p.D1057E variant (also known as c.3171C>A), located in coding exon 19 of the PKP4 gene, results from a C to A substitution at nucleotide position 3171. The aspartic acid at codon 1057 is replaced by glutamic acid, an amino acid with highly similar properties. This amino acid position is conserved. In addition, this alteration is predicted to be tolerated by in silico analysis. Since supporting evidence is limited at this time, the clinical significance of this alteration remains unclear.

NM_003628.6(PKP4):c.3171C>A (p.Asp1057Glu)

Genes: PKP4 (plakophilin 4; plus strand), PKP4-AS1 (PKP4 antisense RNA 1; minus strand). Cytogenetic location: 2q24.1.
Variant type: single nucleotide variant.
Coding change: c.3171C>A on transcript NM_003628.6 (MANE Select); coding-DNA position 3171, C replaced by A.
Protein change: p.Asp1057Glu; replaces aspartic acid 1057 with glutamic acid.
Molecular consequence: missense variant. On other transcripts: intron variant (3).
Genome position (GRCh38, 1-based): chr2:158,676,782, C>A. VCF-style: chr2-158676782-C-A. GRCh37 (hg19) VCF-style: chr2-159533294-C-A.
Other names: c.3168C>A, p.Asp1056Glu (NM_001304969.3, NM_001377219.1, NM_001377220.1 and 1 more transcripts); c.2142C>A, p.Asp714Glu (NM_001304970.3); c.3171C>A, p.Asp1057Glu (NM_001377218.1); c.3165C>A, p.Asp1055Glu (NM_001377222.1, NM_001377223.1); c.3162C>A, p.Asp1054Glu (NM_001377224.1); c.3128-1799C>A (NM_001005476.4, NM_001377225.1); c.3125-1799C>A (NM_001377226.1); short protein forms D714E, D1055E, D1056E, D1054E, D1057E.
Identifiers: ClinVar variation 1728434 (VCV001728434.3), dbSNP rs200073479, ClinGen allele CA1921241.